The following is an entry in ClinVar:

NM_000827.4(GRIA1):c.862-6C>T

Gene: GRIA1 (glutamate ionotropic receptor AMPA type subunit 1; plus strand). Cytogenetic location: 5q33.2.
Variant type: single nucleotide variant.
Coding change: c.862-6C>T on transcript NM_000827.4 (MANE Select); 6 bases into the intron before coding-DNA position 862, C replaced by T.
Molecular consequence: intron variant.
Genome position (GRCh38, 1-based): chr5:153,676,988, C>T. VCF-style: chr5-153676988-C-T. GRCh37 (hg19) VCF-style: chr5-153056548-C-T.
Other names: c.889-6C>T (NM_001364166.2); c.655-6C>T (NM_001364167.2, NM_001258023.1); c.577-6C>T (NM_001258020.2); c.862-6C>T (NM_001114183.2); c.861+2327C>T (NM_001364165.2); c.622-6C>T (NM_001258019.2); c.892-6C>T (NM_001258021.2, NM_001258022.2).
Identifiers: ClinVar variation 3035120 (VCV003035120.2), dbSNP rs368839980, ClinGen allele CA3524449.

ClinVar aggregate classification (germline): Likely benign (0 of 4 stars; one submission).

Conditions:
GRIA1-related disorder. Also called: GRIA1-related condition.

Allele frequency attached by ClinVar (database versions not stated): gnomAD exomes 0.00002; ExAC 0.00008; ESP Exome Variant Server 0.00008; TOPMed 0.00023; gnomAD 0.00029; 1000 Genomes Project 30x 0.00031; 1000 Genomes Project 0.00040.
gnomAD v4.1: 72 of 1,411,998 alleles (0.0051%); highest among the groups gnomAD compares: African/African-American, 0.1%; no homozygotes.

Submission:

PreventionGenetics, part of Exact Sciences
Classification: Likely benign for GRIA1-related condition. Last evaluated: 2019-08-09. Review status: no assertion criteria provided. Collection method: clinical testing. Allele origin: germline.
Comment: This variant is classified as likely benign based on ACMG/AMP sequence variant interpretation guidelines (Richards et al. 2015 PMID: 25741868, with internal and published modifications).